The following is an entry in ClinVar:

ClinVar aggregate classification (germline): Uncertain significance (1 of 4 stars; one submission).

Submission:

Greenwood Genetic Center Diagnostic Laboratories, Greenwood Genetic Center
Classification: Uncertain significance. Last evaluated: 2023-02-09. Review status: criteria provided, single submitter. Criteria: ACMG Guidelines, 2015. Collection method: clinical testing. Allele origin: germline. Affected: yes.
Comment: PM2, PM3

NM_001370658.1(BTD):c.606T>A (p.Asp202Glu)

Gene: BTD (biotinidase; plus strand). Cytogenetic location: 3p25.1.
Variant type: single nucleotide variant.
Coding change: c.606T>A on transcript NM_001370658.1 (MANE Select); coding-DNA position 606, T replaced by A.
Protein change: p.Asp202Glu; replaces aspartic acid 202 with glutamic acid.
Molecular consequence: missense variant. On other transcripts: intron variant (6).
Genome position (GRCh38, 1-based): chr3:15,644,522, T>A. VCF-style: chr3-15644522-T-A. GRCh37 (hg19) VCF-style: chr3-15686029-T-A.
Other names: c.606T>A, p.Asp202Glu (NM_001281724.3, NM_001407369.1, NM_001407370.1 and 18 more transcripts); c.399+2465T>A (NM_001370753.1, NM_001407400.1, NM_001407380.1 and 3 more transcripts); c.666T>A (NM_000060.2); short protein forms D202E.
Identifiers: ClinVar variation 2505277 (VCV002505277.1), dbSNP rs1170789086, ClinGen allele CA351606790.